The following is an entry in ClinVar:

ClinVar aggregate classification (germline): Uncertain significance (1 of 4 stars; one submission).

Conditions:
SCN11A-related disorder. Also called: SCN11A-related condition.

gnomAD v4.1: 3 of 1,613,806 alleles (0.00019%); highest among the groups gnomAD compares: African/African-American, 0.004%; no homozygotes.

Submission:

PreventionGenetics, part of Exact Sciences
Classification: Uncertain significance for SCN11A-related condition. Last evaluated: 2026-06-06. Review status: criteria provided, single submitter. Criteria: ACMG Guidelines, 2015. Collection method: clinical testing. Allele origin: germline.
Comment: The SCN11A c.1547C>T variant is predicted to result in the amino acid substitution p.Pro516Leu. To our knowledge, this variant has not been reported in the literature. This variant is reported in one allele (0.011%) in an individual of African descent in gnomAD. At this time, the clinical significance of this variant is uncertain due to the absence of conclusive functional and genetic evidence.

NM_001349253.2(SCN11A):c.1547C>T (p.Pro516Leu)

Gene: SCN11A (sodium voltage-gated channel alpha subunit 11; minus strand). Cytogenetic location: 3p22.2.
Variant type: single nucleotide variant.
Coding change: c.1547C>T on transcript NM_001349253.2 (MANE Select); coding-DNA position 1547, C replaced by T.
Protein change: p.Pro516Leu; replaces proline 516 with leucine.
Molecular consequence: missense variant.
Genome position (GRCh38, 1-based): chr3:38,905,248, G>A on the plus strand (C>T on the coding strand, the complement: SCN11A is on the minus strand). VCF-style: chr3-38905248-G-A. GRCh37 (hg19) VCF-style: chr3-38946739-G-A.
Other names: c.1547C>T, p.Pro516Leu (NM_014139.3); short protein forms P516L.
Identifiers: ClinVar variation 4982843 (VCV004982843.1).